The following is an entry in ClinVar:

ClinVar aggregate classification (germline): Uncertain significance (1 of 4 stars; one submission).

Conditions:
Inclusion body myopathy with Paget disease of bone and frontotemporal dementia. Also called: Inclusion body myopathy with early-onset Paget disease and frontotemporal dementia. Identifiers: Orphanet 52430, MedGen C1833662, MONDO:0000507.
Frontotemporal dementia and/or amyotrophic lateral sclerosis 6 (FTDALS6). Also called: VCP-Related Amyotrophic Lateral Sclerosis; VCP-Related Amyotrophic Lateral Sclerosis/Frontotemporal Dementia. Identifiers: Orphanet 275872, Orphanet 803, MedGen C5436279, MONDO:0013501, OMIM 613954.

Submission:

Labcorp Genetics (formerly Invitae), Labcorp
Classification: Uncertain significance for Inclusion body myopathy with Paget disease of bone and frontotemporal dementia; Frontotemporal dementia and/or amyotrophic lateral sclerosis 6. Last evaluated: 2025-11-22. Review status: criteria provided, single submitter. Criteria: Invitae Variant Classification Sherloc (09022015). Collection method: clinical testing. Allele origin: germline.
Comment: This sequence change replaces histidine, which is basic and polar, with glutamine, which is neutral and polar, at codon 499 of the VCP protein (p.His499Gln). This variant is not present in population databases (gnomAD no frequency). This variant has not been reported in the literature in individuals affected with VCP-related conditions. Invitae Evidence Modeling of protein sequence and biophysical properties (such as structural, functional, and spatial information, amino acid conservation, physicochemical variation, residue mobility, and thermodynamic stability) indicates that this missense variant is not expected to disrupt VCP protein function with a negative predictive value of 80%. In summary, the available evidence is currently insufficient to determine the role of this variant in disease. Therefore, it has been classified as a Variant of Uncertain Significance.

NM_007126.5(VCP):c.1497C>A (p.His499Gln)

Gene: VCP (valosin containing protein; minus strand). Cytogenetic location: 9p13.3.
Variant type: single nucleotide variant.
Coding change: c.1497C>A on transcript NM_007126.5 (MANE Select); coding-DNA position 1497, C replaced by A.
Protein change: p.His499Gln; replaces histidine 499 with glutamine.
Molecular consequence: missense variant.
Genome position (GRCh38, 1-based): chr9:35,060,511, G>T on the plus strand (C>A on the coding strand, the complement: VCP is on the minus strand). VCF-style: chr9-35060511-G-T. GRCh37 (hg19) VCF-style: chr9-35060508-G-T.
Other names: c.1362C>A, p.His454Gln (NM_001354927.2, NM_001354928.2); short protein forms H454Q, H499Q.
Identifiers: ClinVar variation 4791681 (VCV004791681.1).
Genomic context (GRCh38, chr9:35,060,511, plus strand): 5'-AGGTCCATAGAACAGAACTCCCTTGGAAGGTGTCATGCCAAACTTCAGGAATTTGTCTGG[G>T]TGCTCCACAGGATACTAGGAGGAAAAGGAAAGAGGGTTCAAGGCTACCTCCACATTTTGA-3'
Protein context (NP_009057.1, residues 489-509): LQELVQYPVE[His499Gln]PDKFLKFGMT